The following is an entry in ClinVar:

ClinVar aggregate classification (germline): Pathogenic (1 of 4 stars; one submission).

Conditions:
Neurofibromatosis, type 1 (NF1). Also called: NEUROFIBROMATOSIS, TYPE I, SOMATIC; Peripheral type neurofibromatosis; Neurofibromatosis, type I; VON RECKLINGHAUSEN DISEASE. Identifiers: Orphanet 636, MedGen C0027831, MONDO:0018975, OMIM 162200. Disease mechanism: loss of function.

Submission:

Labcorp Genetics (formerly Invitae), Labcorp
Classification: Pathogenic for Neurofibromatosis, type 1. Last evaluated: 2024-12-09. Review status: criteria provided, single submitter. Criteria: Invitae Variant Classification Sherloc (09022015). Collection method: clinical testing. Allele origin: germline.
Comment: This variant results in the deletion of part of exon 31 (c.4212_4269+8del) of the NF1 gene. It is expected to disrupt RNA splicing. Variants that disrupt the donor or acceptor splice site typically lead to a loss of protein function (PMID: 16199547), and loss-of-function variants in NF1 are known to be pathogenic (PMID: 10712197, 23913538). This variant is not present in population databases (gnomAD no frequency). This variant has not been reported in the literature in individuals affected with NF1-related conditions. This variant disrupts a region of the NF1 protein in which other variant(s) (p.Ser1422Leu) have been determined to be pathogenic (internal data). This suggests that this is a clinically significant region of the protein, and that variants that disrupt it are likely to be disease-causing. For these reasons, this variant has been classified as Pathogenic.

Literature cited by the submitters: PubMed 16199547; PubMed 10712197; PubMed 23913538.

NM_001042492.3(NF1):c.4275_4332+8del

Gene: NF1 (neurofibromin 1; plus strand). Cytogenetic location: 17q11.2.
Variant type: Deletion.
Coding change: c.4275_4332+8del on transcript NM_001042492.3 (MANE Select); coding-DNA position 4275 through 8 bases into the intron after coding-DNA position 4332, 66 bases deleted.
Molecular consequence: splice donor variant.
Genome position (GRCh38, 1-based): chr17:31,258,445-31,258,510, 66 bases deleted. GRCh37 (hg19): chr17:29,585,463-29,585,528.
Other names: c.4212_4269+8del (NM_000267.4).
Identifiers: ClinVar variation 3726938 (VCV003726938.2).